The following is an entry in ClinVar:

ClinVar aggregate classification (germline): Likely benign (1 of 4 stars; one submission).

gnomAD v4.1: 356 of 1,600,596 alleles (0.022%); highest among the groups gnomAD compares: Middle Eastern, 0.4%; no homozygotes.

Submission:

CeGaT Center for Human Genetics Tuebingen
Classification: Likely benign. Last evaluated: 2025-05-01. Review status: criteria provided, single submitter. Criteria: CeGaT Center For Human Genetics Tuebingen Variant Classification Criteria Version 2. Collection method: clinical testing. Allele origin: germline. Affected: yes. Observed: 1 variant allele.
Comment: ITGB1: BP4, BP7

NM_002211.4(ITGB1):c.2019A>C (p.Val673=)

Gene: ITGB1 (integrin subunit beta 1; minus strand). Cytogenetic location: 10p11.22.
Variant type: single nucleotide variant.
Coding change: c.2019A>C on transcript NM_002211.4 (MANE Select); coding-DNA position 2019, A replaced by C.
Protein change: p.Val673=; no amino-acid change (valine 673 retained).
Molecular consequence: synonymous variant.
Genome position (GRCh38, 1-based): chr10:32,910,368, T>G on the plus strand (A>C on the coding strand, the complement: ITGB1 is on the minus strand). VCF-style: chr10-32910368-T-G. GRCh37 (hg19) VCF-style: chr10-33199296-T-G.
Other names: c.2019A>C, p.Val673= (NM_033668.2, NM_133376.3).
Identifiers: ClinVar variation 3904947 (VCV003904947.10).